The following is an entry in ClinVar:

ClinVar aggregate classification (germline): Uncertain significance (1 of 4 stars; one submission).

Conditions:
Inborn genetic diseases. Identifiers: MedGen C0950123, MeSH D030342.

Allele frequency attached by ClinVar (database versions not stated): gnomAD exomes below 0.00001.
gnomAD v4.1: 3 of 1,613,698 alleles (0.00019%); highest among the groups gnomAD compares: Non-Finnish European, 0.00025%; no homozygotes.

Submission:

Ambry Genetics
Classification: Uncertain significance for Inborn genetic diseases. Last evaluated: 2019-11-11. Review status: criteria provided, single submitter. Criteria: Ambry Variant Classification Scheme 2023. Collection method: clinical testing. Allele origin: germline.
Comment: The p.K1883E variant (also known as c.5647A>G), located in coding exon 41 of the DST gene, results from an A to G substitution at nucleotide position 5647. The lysine at codon 1883 is replaced by glutamic acid, an amino acid with similar properties. This amino acid position is not well conserved in available vertebrate species. In addition, this alteration is predicted to be tolerated by in silico analysis. Since supporting evidence is limited at this time, the clinical significance of this alteration remains unclear.

NM_001374736.1(DST):c.12004A>G (p.Lys4002Glu)

Gene: DST (dystonin; minus strand). Cytogenetic location: 6p12.1.
Variant type: single nucleotide variant.
Coding change: c.12004A>G on transcript NM_001374736.1 (MANE Select); coding-DNA position 12004, A replaced by G.
Protein change: p.Lys4002Glu; replaces lysine 4002 with glutamic acid.
Molecular consequence: missense variant.
Genome position (GRCh38, 1-based): chr6:56,597,931, T>C on the plus strand (A>G on the coding strand, the complement: DST is on the minus strand). VCF-style: chr6-56597931-T-C. GRCh37 (hg19) VCF-style: chr6-56462729-T-C.
Other names: c.5647A>G, p.Lys1883Glu (NM_001144769.5); c.5233A>G, p.Lys1745Glu (NM_001144770.2); c.12004A>G, p.Lys4002Glu (NM_001374722.1); c.11371A>G, p.Lys3791Glu (NM_001374729.1); c.5113A>G, p.Lys1705Glu (NM_001374730.1, NM_001386100.1, NM_183380.4); c.12031A>G, p.Lys4011Glu (NM_001374734.1); c.4135A>G, p.Lys1379Glu (NM_015548.5); short protein forms K1745E, K1883E, K1379E, K1705E, K4011E, K3791E, K4002E.
Identifiers: ClinVar variation 1748816 (VCV001748816.2), dbSNP rs2536234598, ClinGen allele CA364528695.
Genomic context (GRCh38, chr6:56,597,931, plus strand): 5'-AATGGGTCCCGTTCTGTTCGATTACCTGTTTGTGTTTTGTCCCTGCCCTTTCTGAGTCTT[T>C]GTCAACATTTGACAACCAGTCCAAAAGGTTTTCTATTTTGGTTTTGCTCTCTTCCAGCTG-3'
Protein context (NP_001361665.1, residues 3992-4012): NLLDWLSNVD[Lys4002Glu]DSERAGTKHK